The following is an entry in ClinVar:

ClinVar aggregate classification (germline): Pathogenic (1 of 4 stars; one submission).

Submission:

Labcorp Genetics (formerly Invitae), Labcorp
Classification: Pathogenic. Last evaluated: 2022-04-12. Review status: criteria provided, single submitter. Criteria: Invitae Variant Classification Sherloc (09022015). Collection method: clinical testing. Allele origin: germline.
Comment: For these reasons, this variant has been classified as Pathogenic. This variant has not been reported in the literature in individuals affected with ASNS-related conditions. Algorithms developed to predict the effect of sequence changes on RNA splicing suggest that this variant may disrupt the consensus splice site. This variant is not present in population databases (gnomAD no frequency). This sequence change creates a premature translational stop signal (p.Lys132*) in the ASNS gene. It is expected to result in an absent or disrupted protein product. Loss-of-function variants in ASNS are known to be pathogenic (PMID: 27422383, 30057589).

Literature cited by the submitters: PubMed 27422383; PubMed 30057589.

NM_001673.5(ASNS):c.394A>T (p.Lys132Ter)

Genes: ASNS (asparagine synthetase (glutamine-hydrolyzing); minus strand), CZ1P-ASNS (CZ1P-ASNS readthrough; minus strand). Cytogenetic location: 7q21.3.
Variant type: single nucleotide variant.
Coding change: c.394A>T on transcript NM_001673.5 (MANE Select); coding-DNA position 394, A replaced by T.
Protein change: p.Lys132Ter; replaces lysine 132 with a stop codon.
Molecular consequence: nonsense. On other transcripts: non-coding transcript variant (1).
Genome position (GRCh38, 1-based): chr7:97,864,352, T>A on the plus strand (A>T on the coding strand, the complement: ASNS is on the minus strand). VCF-style: chr7-97864352-T-A. GRCh37 (hg19) VCF-style: chr7-97493664-T-A.
Other names: c.331A>T, p.Lys111Ter (NM_001178075.2); c.145A>T, p.Lys49Ter (NM_001178076.2, NM_001178077.1); c.394A>T, p.Lys132Ter (NM_001352496.2, NM_133436.3, NM_183356.4); short protein forms K132*, K111*, K49*.
Identifiers: ClinVar variation 2120794 (VCV002120794.4), dbSNP rs2484682243, ClinGen allele CA368271322.